The following is an entry in ClinVar:

ClinVar aggregate classification (germline): Uncertain significance (1 of 4 stars; one submission).

gnomAD v4.1: 29 of 1,613,890 alleles (0.0018%); highest among the groups gnomAD compares: South Asian, 0.0022%; no homozygotes.

Submission:

Labcorp Genetics (formerly Invitae), Labcorp
Classification: Uncertain significance. Last evaluated: 2022-01-15. Review status: criteria provided, single submitter. Criteria: Invitae Variant Classification Sherloc (09022015). Collection method: clinical testing. Allele origin: germline.
Comment: This sequence change replaces glutamic acid, which is acidic and polar, with lysine, which is basic and polar, at codon 1322 of the ZNF335 protein (p.Glu1322Lys). In summary, the available evidence is currently insufficient to determine the role of this variant in disease. Therefore, it has been classified as a Variant of Uncertain Significance. Algorithms developed to predict the effect of missense changes on protein structure and function (SIFT, PolyPhen-2, Align-GVGD) all suggest that this variant is likely to be disruptive. This variant has not been reported in the literature in individuals affected with ZNF335-related conditions. This variant is present in population databases (rs767339054, gnomAD 0.006%).

NM_022095.4(ZNF335):c.3964G>A (p.Glu1322Lys)

Gene: ZNF335 (zinc finger protein 335; minus strand). Cytogenetic location: 20q13.12.
Variant type: single nucleotide variant.
Coding change: c.3964G>A on transcript NM_022095.4 (MANE Select); coding-DNA position 3964, G replaced by A.
Protein change: p.Glu1322Lys; replaces glutamic acid 1322 with lysine.
Molecular consequence: missense variant.
Genome position (GRCh38, 1-based): chr20:45,949,018, C>T on the plus strand (G>A on the coding strand, the complement: ZNF335 is on the minus strand). VCF-style: chr20-45949018-C-T. GRCh37 (hg19) VCF-style: chr20-44577657-C-T.
Other names: short protein forms E1322K.
Identifiers: ClinVar variation 1944965 (VCV001944965.5), dbSNP rs767339054, ClinGen allele CA9884751.